The following is an entry in ClinVar:

NM_001009944.3(PKD1):c.167T>C (p.Leu56Pro)

Gene: PKD1 (polycystin 1, transient receptor potential channel interacting; minus strand). Cytogenetic location: 16p13.3.
Variant type: single nucleotide variant.
Coding change: c.167T>C on transcript NM_001009944.3 (MANE Select); coding-DNA position 167, T replaced by C.
Protein change: p.Leu56Pro; replaces leucine 56 with proline.
Molecular consequence: missense variant.
Genome position (GRCh38, 1-based): chr16:2,135,523, A>G on the plus strand (T>C on the coding strand, the complement: PKD1 is on the minus strand). VCF-style: chr16-2135523-A-G. GRCh37 (hg19) VCF-style: chr16-2185524-A-G.
Other names: c.167T>C (NM_000296.3); c.167T>C, p.Leu56Pro (NM_000296.4); short protein forms L56P.
Identifiers: ClinVar variation 976836 (VCV000976836.7), dbSNP rs2092940195, ClinGen allele CA394282329.

ClinVar aggregate classification (germline): Uncertain significance. Review status: criteria provided, multiple submitters, no conflicts (2 of 4 stars). 5 submissions from 5 submitters: Uncertain significance (4). 1 of the submissions does not count toward it. Last evaluated 2025-02-18.

Conditions:
Inborn genetic diseases. Identifiers: MedGen C0950123, MeSH D030342.
Autosomal dominant polycystic kidney disease. Identifiers: Orphanet 730, MedGen C0085413, MONDO:0004691.
Polycystic kidney disease. Also called: Kidney, Polycystic; Polycystic kidney dysplasia. Identifiers: MedGen C0022680, MeSH D007690, MONDO:0020642, HP:0000113.
PKD1-related disorder. Also called: PKD1-related condition.

Allele frequency attached by ClinVar (database versions not stated): gnomAD 0.00001.

Submissions (5):

PreventionGenetics, part of Exact Sciences
Classification: Uncertain significance for PKD1-related condition. Last evaluated: 2025-02-18. Review status: criteria provided, single submitter. Criteria: ACMG Guidelines, 2015. Collection method: clinical testing. Allele origin: germline.
Comment: The PKD1 c.167T>C variant is predicted to result in the amino acid substitution p.Leu56Pro. This variant was reported in an individual with polycystic kidney disease (Table S1, Mallawaarachchi et al. 2021. PubMed ID: 33437033). This variant has not been reported in a large population database (gnomAD), indicating this variant is rare. At this time, the clinical significance of this variant is uncertain due to the absence of conclusive functional and genetic evidence.

Blueprint Genetics
Classification: Uncertain significance. Last evaluated: 2023-04-03. Review status: criteria provided, single submitter. Criteria: ACMG Guidelines, 2015. Collection method: clinical testing. Allele origin: germline.

Ambry Genetics
Classification: Uncertain significance for Inborn genetic diseases. Last evaluated: 2021-08-02. Review status: criteria provided, single submitter. Criteria: Ambry Variant Classification Scheme 2023. Collection method: clinical testing. Allele origin: germline.

Molecular Genetics of Inherited Kidney Disorders Laboratory, Garvan Institute of Medical Research
Classification: Uncertain significance for Autosomal dominant polycystic kidney disease. Last evaluated: 2019-01-01. Review status: criteria provided, single submitter. Criteria: ACMG Guidelines, 2015. Collection method: research. Allele origin: germline. Affected: yes.

Department of Pathology and Laboratory Medicine, Sinai Health System
Classification: Uncertain significance for Polycystic Kidney disease. Review status: no assertion criteria provided. Collection method: clinical testing. Allele origin: unknown. Affected: yes. Study: The Canadian Open Genetics Repository (COGR). Not counted in ClinVar's aggregate classification.
Comment: The PKD1 p.Leu56Pro variant was not identified in the literature nor was it identified in the dbSNP, ClinVar, LOVD 3.0, ADPKD Mutation Database, PKD1-LOVD databases. The variant was not identified in the 1000 Genomes Project, the NHLBI GO Exome Sequencing Project or the Exome Aggregation Consortium (August 8th 2016) control databases. The p.Leu56Pro residue is conserved in mammals and computational analyses (PolyPhen-2, SIFT, AlignGVGD, BLOSUM, MutationTaster) provide inconsistent predictions regarding the impact to the protein; this information is not very predictive of pathogenicity. The variant occurs outside of the splicing consensus sequence and in silico or computational prediction software programs (SpliceSiteFinder, MaxEntScan, NNSPLICE, GeneSplicer, HumanSpliceFinder) do not predict a difference in splicing. The variant is located with the Leucine-rich repeat-containing N-terminal functional domain(s) increasing the likelihood that it may have clinical significance. In summary, based on the above information the clinical significance of this variant cannot be determined with certainty at this time. This variant is classified as a variant of uncertain significance.